The following is an entry in ClinVar:

NM_001079668.3(NKX2-1):c.532del (p.Asp178fs)

Genes: NKX2-1 (NK2 homeobox 1; minus strand), SFTA3 (surfactant associated 3; minus strand). Cytogenetic location: 14q13.3.
Variant type: Deletion.
Coding change: c.532del on transcript NM_001079668.3 (MANE Select); coding-DNA position 532, one base deleted (G; older notation c.532delG).
Protein change: p.Asp178fs; shifts the reading frame from aspartic acid 178.
Molecular consequence: frameshift variant.
Genome position (GRCh38, 1-based): chr14:36,517,952, C deleted on the plus strand (G on the coding strand, the reverse complement: NKX2-1 is on the minus strand); the first of 5 consecutive C bases (chr14:36,517,952-36,517,956); deleting any one gives the same sequence. VCF-style (leftmost placement, unchanged base first): chr14-36517951-TC-T. GRCh37 (hg19) VCF-style: chr14-36987156-TC-T.
Other names: c.442del, p.Asp148fs (NM_003317.4); short protein forms D178fs, D148fs.
Identifiers: ClinVar variation 1456475 (VCV001456475.8), dbSNP rs2139408039, ClinGen allele CA2573149918.
Genomic context (GRCh38, chr14:36,517,951, plus strand): 5'-AAGAGCACCCGGCGCTTCCTGCGCGGCGCGCTTGGCAGCGGGGCCATGTTCTTGCTCACG[TC>T]CCCCAGCGAGCCCAGGCCGCCCATGCCGCTCATGTTCATGCCGCTCGCCGGGCCCATGAA-3'

ClinVar aggregate classification (germline): Pathogenic (1 of 4 stars; one submission).

Submission:

Labcorp Genetics (formerly Invitae), Labcorp
Classification: Pathogenic. Last evaluated: 2022-07-06. Review status: criteria provided, single submitter. Criteria: Invitae Variant Classification Sherloc (09022015). Collection method: clinical testing. Allele origin: germline.
Comment: This sequence change creates a premature translational stop signal (p.Asp178Thrfs*2) in the NKX2-1 gene. While this is not anticipated to result in nonsense mediated decay, it is expected to disrupt the last 224 amino acid(s) of the NKX2-1 protein. For these reasons, this variant has been classified as Pathogenic. This variant disrupts a region of the NKX2-1 protein in which other variant(s) (p.Gln249*) have been determined to be pathogenic (PMID: 16220345, 24129101, 24714694). This suggests that this is a clinically significant region of the protein, and that variants that disrupt it are likely to be disease-causing. ClinVar contains an entry for this variant (Variation ID: 1456475). This variant has not been reported in the literature in individuals affected with NKX2-1-related conditions. This variant is not present in population databases (gnomAD no frequency).

Literature cited by the submitters: PubMed 16220345; PubMed 24129101; PubMed 24714694.